The following is an entry in ClinVar:

ClinVar aggregate classification (germline): Uncertain significance. Review status: criteria provided, multiple submitters, no conflicts (2 of 4 stars). 4 submissions from 4 submitters: Uncertain significance (3). 1 of the submissions does not count toward it. Last evaluated 2025-03-18.

Conditions:
UCP2-related disorder. Also called: UCP2-related condition.

Allele frequency attached by ClinVar (database versions not stated): gnomAD exomes 0.00003 and 0.00005; ExAC 0.00005; gnomAD 0.00021 and 0.00022; TOPMed 0.00024.
gnomAD v4.1: 74 of 1,614,056 alleles (0.0046%); highest among the groups gnomAD compares: African/African-American, 0.06%; no homozygotes.

Submissions (4):

Labcorp Genetics (formerly Invitae), Labcorp
Classification: Uncertain significance. Last evaluated: 2025-03-18. Review status: criteria provided, single submitter. Criteria: Invitae Variant Classification Sherloc (09022015). Collection method: clinical testing. Allele origin: germline.
Comment: This sequence change replaces glycine, which is neutral and non-polar, with serine, which is neutral and polar, at codon 61 of the UCP2 protein (p.Gly61Ser). This variant is present in population databases (rs774824879, gnomAD 0.06%), and has an allele count higher than expected for a pathogenic variant. This missense change has been observed in individual(s) with clinical features of hyperinsulinism (PMID: 27967291). ClinVar contains an entry for this variant (Variation ID: 437202). An algorithm developed to predict the effect of missense changes on protein structure and function (PolyPhen-2) suggests that this variant is likely to be disruptive. In summary, the available evidence is currently insufficient to determine the role of this variant in disease. Therefore, it has been classified as a Variant of Uncertain Significance.

Blueprint Genetics
Classification: Uncertain significance. Last evaluated: 2024-02-02. Review status: criteria provided, single submitter. Criteria: ACMG Guidelines, 2015. Collection method: clinical testing. Allele origin: germline.

Genetic Services Laboratory, University of Chicago
Classification: Uncertain significance. Last evaluated: 2017-02-28. Review status: criteria provided, single submitter. Criteria: ACMG Guidelines, 2015. Collection method: clinical testing. Allele origin: germline. Affected: no.

PreventionGenetics, part of Exact Sciences
Classification: Uncertain significance for UCP2-related condition. Last evaluated: 2024-04-12. Review status: no assertion criteria provided. Collection method: clinical testing. Allele origin: germline. Not counted in ClinVar's aggregate classification.
Comment: The UCP2 c.181G>A variant is predicted to result in the amino acid substitution p.Gly61Ser. This variant has been reported in the heterozygous state in several individuals with hyperinsulinism (Snider et al 2013. PubMed ID: 23275527; Ferrara CT et al 2017. PubMed ID: 27967291). This variant is reported in 0.064% of alleles in individuals of African descent in gnomAD. At this time, the clinical significance of this variant is uncertain due to the absence of conclusive functional and genetic evidence.

Literature cited by the submitters: PubMed 27967291 (cited by Labcorp Genetics (formerly Invitae), Labcorp).

NM_003355.3(UCP2):c.181G>A (p.Gly61Ser)

Gene: UCP2 (uncoupling protein 2; minus strand). Cytogenetic location: 11q13.4.
Variant type: single nucleotide variant.
Coding change: c.181G>A on transcript NM_003355.3 (MANE Select); coding-DNA position 181, G replaced by A.
Protein change: p.Gly61Ser; replaces glycine 61 with serine.
Molecular consequence: missense variant.
Genome position (GRCh38, 1-based): chr11:73,978,042, C>T on the plus strand (G>A on the coding strand, the complement: UCP2 is on the minus strand). VCF-style: chr11-73978042-C-T. GRCh37 (hg19) VCF-style: chr11-73689087-C-T.
Other names: c.181G>A, p.Gly61Ser (NM_001381943.1, NM_001381944.1, NM_001381945.1 and 4 more transcripts); short protein forms G61S.
Identifiers: ClinVar variation 437202 (VCV000437202.9), dbSNP rs774824879, ClinGen allele CA6181218.